The following is an entry in ClinVar:

ClinVar aggregate classification (germline): Pathogenic/Likely pathogenic. Review status: criteria provided, multiple submitters, no conflicts (2 of 4 stars). 2 submissions from 2 submitters: Pathogenic (1); Likely pathogenic (1). Last evaluated 2025-12-17.

Conditions:
MYO18B-related disorder. Also called: MYO18B-related condition.

Submissions (2):

Labcorp Genetics (formerly Invitae), Labcorp
Classification: Pathogenic. Last evaluated: 2025-12-17. Review status: criteria provided, single submitter. Criteria: Invitae Variant Classification Sherloc (09022015). Collection method: clinical testing. Allele origin: germline.
Comment: This sequence change creates a premature translational stop signal (p.Ala852Glnfs*15) in the MYO18B gene. It is expected to result in an absent or disrupted protein product. Loss-of-function variants in MYO18B are known to be pathogenic (PMID: 25748484, 32184166, 32637634). This variant is present in population databases (rs753341986, gnomAD 0.003%). This variant has not been reported in the literature in individuals affected with MYO18B-related conditions. For these reasons, this variant has been classified as Pathogenic.

Blueprint Genetics
Classification: Likely pathogenic for MYO18B-related disorders. Last evaluated: 2022-06-23. Review status: criteria provided, single submitter. Criteria: ACMG Guidelines, 2015. Collection method: clinical testing. Allele origin: germline. Affected: yes. Observed: 2 variant alleles.

Literature cited by the submitters: PubMed 25748484 (cited by Labcorp Genetics (formerly Invitae), Labcorp); PubMed 32184166 (cited by Labcorp Genetics (formerly Invitae), Labcorp); PubMed 32637634 (cited by Labcorp Genetics (formerly Invitae), Labcorp).

NM_032608.7(MYO18B):c.2554del (p.Ala852fs)

Gene: MYO18B (myosin XVIIIB; plus strand). Cytogenetic location: 22q12.1.
Variant type: Deletion.
Coding change: c.2554del on transcript NM_032608.7 (MANE Select); coding-DNA position 2554, one base deleted (G; older notation c.2554delG).
Protein change: p.Ala852fs; shifts the reading frame from alanine 852.
Molecular consequence: frameshift variant.
Genome position (GRCh38, 1-based): chr22:25,823,537, G deleted; the last of 3 consecutive G bases (chr22:25,823,535-25,823,537); deleting any one gives the same sequence. VCF-style (leftmost placement, unchanged base first): chr22-25823534-TG-T. GRCh37 (hg19) VCF-style: chr22-26219501-TG-T.
Other names: c.2554del, p.Ala852fs (NM_001318245.2); short protein forms A852fs.
Identifiers: ClinVar variation 4759662 (VCV004759662.2).
Genomic context (GRCh38, chr22:25,823,534, plus strand): 5'-CTGCCACGCCTCTGTTTTGTCCCCTTTGCAGTGGGTCGGAAGCAGTTCATGAGGTTTGAG[TG>T]GGCAAACTACGCAGCTGAGGCCCTGGGCTGCGAGTATGAGGAGCTGAACACGGCCACCTT-3'